The following is an entry in ClinVar:

NM_006662.3(SRCAP):c.1131G>T (p.Leu377Phe)

Gene: SRCAP (Snf2 related CREBBP activator protein; plus strand). Cytogenetic location: 16p11.2.
Variant type: single nucleotide variant.
Coding change: c.1131G>T on transcript NM_006662.3 (MANE Select); coding-DNA position 1131, G replaced by T.
Protein change: p.Leu377Phe; replaces leucine 377 with phenylalanine.
Molecular consequence: missense variant.
Genome position (GRCh38, 1-based): chr16:30,710,125, G>T. VCF-style: chr16-30710125-G-T. GRCh37 (hg19) VCF-style: chr16-30721446-G-T.
Other names: short protein forms L377F.
Identifiers: ClinVar variation 4883294 (VCV004883294.2).

ClinVar aggregate classification (germline): Uncertain significance (1 of 4 stars; one submission).

Submission:

Dasa
Classification: Uncertain significance. Last evaluated: 2025-08-18. Review status: criteria provided, single submitter. Criteria: DASA Assertion Criteria. Collection method: clinical testing. Allele origin: germline.
Comment: NM_006662.3(SRCAP):c.1131G>T (p.Leu377Phe) is a missense variant that results in the substitution of leucine with phenylalanine. This variant is absent from population databases. Computational prediction algorithms are consistent with a benign effect. The currently available literature and clinical evidence are not sufficient to establish a definitive association between this variant and the reported condition. Therefore, this variant is classified as a variant of uncertain significance.